The following is an entry in ClinVar:

NM_000435.3(NOTCH3):c.2648G>T (p.Arg883Leu)

Gene: NOTCH3 (notch receptor 3; minus strand). Cytogenetic location: 19p13.12.
Variant type: single nucleotide variant.
Coding change: c.2648G>T on transcript NM_000435.3 (MANE Select); coding-DNA position 2648, G replaced by T.
Protein change: p.Arg883Leu; replaces arginine 883 with leucine.
Molecular consequence: missense variant.
Genome position (GRCh38, 1-based): chr19:15,181,720, C>A on the plus strand (G>T on the coding strand, the complement: NOTCH3 is on the minus strand). VCF-style: chr19-15181720-C-A. GRCh37 (hg19) VCF-style: chr19-15292531-C-A.
Other names: p.Arg883Leu; short protein forms R883L.
Identifiers: ClinVar variation 4684322 (VCV004684322.1).
Genomic context (GRCh38, chr19:15,181,720, plus strand): 5'-TCGGTACAGGTGCCCGGGCCGCAGGGGTTGCTCAGGCACTCATCCACATCGCGGGCGCAT[C>A]GTGGGCCGGCGAAACCAGGGAGGCAGGAGCAGGAAAAGGAGCCCACGCCGTCTTGGCACG-3'
Protein context (NP_000426.2, residues 873-893): CSCLPGFAGP[Arg883Leu]CARDVDECLS

ClinVar aggregate classification (germline): Likely benign (1 of 4 stars; one submission).

gnomAD v4.1: 7 of 1,570,544 alleles (0.00045%); highest among the groups gnomAD compares: Admixed American, 0.011%; no homozygotes.

Submission:

Mayo Clinic Laboratories, Mayo Clinic
Classification: Likely benign. Last evaluated: 2025-03-25. Review status: criteria provided, single submitter. Criteria: ACMG Guidelines, 2015. Collection method: clinical testing. Allele origin: germline. Observed: 1 variant allele.
Comment: BP1, BP4, PP2